The following is an entry in ClinVar:

ClinVar aggregate classification (germline): Uncertain significance (1 of 4 stars; one submission).

Conditions:
Marfan syndrome (MFS). Also called: FBN1-Related Marfan Syndrome; MARFAN SYNDROME, TYPE I; Marfan syndrome type 1; Marfan's syndrome; Marfan syndrome, classic. Identifiers: Orphanet 284963, Orphanet 558, MedGen C0024796, MONDO:0007947, OMIM 154700.
Familial thoracic aortic aneurysm and aortic dissection (TAAD). Also called: Thoracic aortic aneurysms and dissections. Identifiers: Orphanet 91387, MedGen C4707243, MONDO:0019625.

Submission:

Labcorp Genetics (formerly Invitae), Labcorp
Classification: Uncertain significance for Marfan syndrome; Familial thoracic aortic aneurysm and aortic dissection. Last evaluated: 2025-03-23. Review status: criteria provided, single submitter. Criteria: Invitae Variant Classification Sherloc (09022015). Collection method: clinical testing. Allele origin: germline.
Comment: This sequence change replaces aspartic acid, which is acidic and polar, with valine, which is neutral and non-polar, at codon 1322 of the FBN1 protein (p.Asp1322Val). This variant is not present in population databases (gnomAD no frequency). This missense change has been observed in individual(s) with Marfan syndrome (internal data). An algorithm developed to predict the effect of missense changes on protein structure and function (PolyPhen-2) suggests that this variant is likely to be disruptive. This variant disrupts the p.Asp1322 amino acid residue in FBN1. Other variant(s) that disrupt this residue have been observed in individuals with FBN1-related conditions (PMID: 35058154), which suggests that this may be a clinically significant amino acid residue. In summary, the available evidence is currently insufficient to determine the role of this variant in disease. Therefore, it has been classified as a Variant of Uncertain Significance.

Literature cited by the submitters: PubMed 35058154.

NM_000138.5(FBN1):c.3965A>T (p.Asp1322Val)

Gene: FBN1 (fibrillin 1; minus strand). Cytogenetic location: 15q21.1.
Variant type: single nucleotide variant.
Coding change: c.3965A>T on transcript NM_000138.5 (MANE Select); coding-DNA position 3965, A replaced by T.
Protein change: p.Asp1322Val; replaces aspartic acid 1322 with valine.
Molecular consequence: missense variant.
Genome position (GRCh38, 1-based): chr15:48,474,650, T>A on the plus strand (A>T on the coding strand, the complement: FBN1 is on the minus strand). VCF-style: chr15-48474650-T-A. GRCh37 (hg19) VCF-style: chr15-48766847-T-A.
Other names: c.3965A>T, p.Asp1322Val (NM_001406716.1); short protein forms D1322V.
Identifiers: ClinVar variation 4784463 (VCV004784463.1).
Genomic context (GRCh38, chr15:48,474,650, plus strand): 5'-GTATTGGTACATACAGCATGTTTGCCACAGTTGTGTGCTCCAATTTCACATTCATTGATG[T>A]CTGGAAAAATGAGCAGTGATTTAGAAAAAGGCTCAGCACAAATGTCTTTTGGTTTTTAAA-3'
Protein context (NP_000129.3, residues 1312-1332): SGKKGKTGCT[Asp1322Val]INECEIGAHN